The following is an entry in ClinVar:

NM_032119.4(ADGRV1):c.10229_10231dup (p.Val3410dup)

Gene: ADGRV1 (adhesion G protein-coupled receptor V1; plus strand). Cytogenetic location: 5q14.3.
Variant type: Duplication.
Coding change: c.10229_10231dup on transcript NM_032119.4 (MANE Select); coding-DNA positions 10229 to 10231, 3 bases duplicated (TGG; older notation c.10229_10231dupTGG).
Protein change: p.Val3410dup; duplicates valine 3410.
Molecular consequence: inframe insertion. On other transcripts: non-coding transcript variant (1).
Genome position (GRCh38, 1-based): chr5:90,728,736-90,728,738, TGG duplicated; duplicating any 3 consecutive bases within chr5:90,728,735-90,728,738 gives the same sequence; the c. name uses the placement nearest the transcript's 3' end. VCF-style (leftmost placement, unchanged base first): chr5-90728734-C-CGTG. GRCh37 (hg19) VCF-style: chr5-90024551-C-CGTG.
Other names: p.Val3410dup.
Identifiers: ClinVar variation 46245 (VCV000046245.4), dbSNP rs397517418, ClinGen allele CA261829.

ClinVar aggregate classification (germline): Likely pathogenic (0 of 4 stars; one submission).

Conditions:
Rare genetic deafness. Identifiers: Orphanet 96210, MedGen C5680250.

Submission:

Laboratory for Molecular Medicine, Mass General Brigham Personalized Medicine
Classification: Likely pathogenic for Rare genetic deafness. Last evaluated: 2011-03-14. Review status: no assertion criteria provided. Collection method: clinical testing. Allele origin: germline. Observed: 1 variant allele.
Comment: The Val3410dup variant in GPR98 has not been reported in the literature nor prev iously identified by our laboratory. This variant is predicted to alter the prot ein?s amino acid sequence by insertion of an additional valine residue which cou ld impact protein function. Identification of this variant in trans (on a separa te copy of the gene) with a pathogenic variant increases the likelihood that the Val3410dup variant is pathogenic. In summary, this variant is likely to be path ogenic.